The following is an entry in ClinVar:

ClinVar aggregate classification (germline): Uncertain significance (1 of 4 stars; one submission).

Conditions:
Hereditary sensory and autonomic neuropathy type 6. Also called: HSAN VI; Neuropathy, hereditary sensory and autonomic, type VI. Identifiers: Orphanet 314381, MedGen C3539003, MONDO:0013839, OMIM 614653.
Epidermolysis bullosa simplex 3, localized or generalized intermediate, with BP230 deficiency (EBS3). Also called: Epidermolysis bullosa simplex due to BP230 deficiency; Epidermolysis bullosa simplex, autosomal recessive 2. Identifiers: Orphanet 412181, MedGen C3809470, MONDO:0014180, OMIM 615425.

Allele frequency attached by ClinVar (database versions not stated): gnomAD 0.00001; TOPMed 0.00001.
gnomAD v4.1: 1 of 1,614,112 alleles (0.000062%); highest among the groups gnomAD compares: Non-Finnish European, 0.000085%; no homozygotes.

Submission:

Labcorp Genetics (formerly Invitae), Labcorp
Classification: Uncertain significance for Epidermolysis bullosa simplex 3, localized or generalized intermediate, with BP230 deficiency; Hereditary sensory and autonomic neuropathy type 6. Last evaluated: 2022-07-20. Review status: criteria provided, single submitter. Criteria: Invitae Variant Classification Sherloc (09022015). Collection method: clinical testing. Allele origin: germline.
Comment: In summary, the available evidence is currently insufficient to determine the role of this variant in disease. Therefore, it has been classified as a Variant of Uncertain Significance. Algorithms developed to predict the effect of missense changes on protein structure and function (SIFT, PolyPhen-2, Align-GVGD) all suggest that this variant is likely to be tolerated. This variant has not been reported in the literature in individuals affected with DST-related conditions. This variant is present in population databases (no rsID available, gnomAD 0.007%). This sequence change replaces glutamic acid, which is acidic and polar, with lysine, which is basic and polar, at codon 1206 of the DST protein (p.Glu1206Lys).

NM_001723.7(DST):c.3616G>A (p.Glu1206Lys)

Gene: DST (dystonin; minus strand). Cytogenetic location: 6p12.1.
Variant type: single nucleotide variant.
Coding change: c.3616G>A on transcript NM_001723.7 (MANE Plus Clinical); coding-DNA position 3616, G replaced by A.
Protein change: p.Glu1206Lys; replaces glutamic acid 1206 with lysine.
Molecular consequence: missense variant. On other transcripts: intron variant (10).
Genome position (GRCh38, 1-based): chr6:56,620,418, C>T on the plus strand (G>A on the coding strand, the complement: DST is on the minus strand). VCF-style: chr6-56620418-C-T. GRCh37 (hg19) VCF-style: chr6-56485216-C-T.
Other names: c.4830+4112G>A (NM_001144769.5); c.4929+4112G>A (NM_001374722.1, NM_001374736.1); c.4956+4112G>A (NM_001374734.1); c.4416+4112G>A (NM_001144770.2); c.4296+4112G>A (NM_001374730.1, NM_001386100.1, NM_183380.4 and 1 more transcripts); c.3318+4112G>A (NM_015548.5); short protein forms E1206K.
Identifiers: ClinVar variation 1963786 (VCV001963786.5), dbSNP rs1220499087, ClinGen allele CA364571516.